The following is an entry in ClinVar:

ClinVar aggregate classification (germline): Uncertain significance (1 of 4 stars; one submission).

Submission:

Ambry Genetics
Classification: Uncertain significance. Last evaluated: 2021-08-10. Review status: criteria provided, single submitter. Criteria: Ambry Variant Classification Scheme 2023. Collection method: clinical testing. Allele origin: germline.
Comment: The p.A316P variant (also known as c.946G>C), located in coding exon 5 of the GALNT12 gene, results from a G to C substitution at nucleotide position 946. The alanine at codon 316 is replaced by proline, an amino acid with highly similar properties. This amino acid position is well conserved in available vertebrate species. In addition, this alteration is predicted to be deleterious by in silico analysis. Since supporting evidence is limited at this time, the clinical significance of this alteration remains unclear.

NM_024642.5(GALNT12):c.946G>C (p.Ala316Pro)

Gene: GALNT12 (polypeptide N-acetylgalactosaminyltransferase 12; plus strand). Cytogenetic location: 9q22.33.
Variant type: single nucleotide variant.
Coding change: c.946G>C on transcript NM_024642.5 (MANE Select); coding-DNA position 946, G replaced by C.
Protein change: p.Ala316Pro; replaces alanine 316 with proline.
Molecular consequence: missense variant.
Genome position (GRCh38, 1-based): chr9:98,835,277, G>C. VCF-style: chr9-98835277-G-C. GRCh37 (hg19) VCF-style: chr9-101597559-G-C.
Other names: short protein forms A316P.
Identifiers: ClinVar variation 1767068 (VCV001767068.2), dbSNP rs775275455, ClinGen allele CA374219374.